The following is an entry in ClinVar:

NM_080425.4(GNAS):c.1148C>A (p.Ala383Asp)

Gene: GNAS (GNAS complex locus; plus strand). Cytogenetic location: 20q13.32.
Variant type: single nucleotide variant.
Coding change: c.1148C>A on transcript NM_080425.4 (MANE Plus Clinical); coding-DNA position 1148, C replaced by A.
Protein change: p.Ala383Asp; replaces alanine 383 with aspartic acid.
Molecular consequence: missense variant. On other transcripts: intron variant (3).
Genome position (GRCh38, 1-based): chr20:58,854,413, C>A. VCF-style: chr20-58854413-C-A. GRCh37 (hg19) VCF-style: chr20-57429468-C-A.
Other names: c.961C>A, p.Pro321Thr (NM_001077490.3, NM_001309883.1); c.1148C>A, p.Ala383Asp (NM_001410913.1); c.*42+13527C>A (NM_016592.5); c.43+13527C>A (NM_001410912.1); c.-39+12538C>A (NM_001309861.2); short protein forms A383D, P321T.
Identifiers: ClinVar variation 3350903 (VCV003350903.1).
Genomic context (GRCh38, chr20:58,854,413, plus strand): 5'-GAGCCGCTGATGCCGCGGAGGGAGGAAAAGTACCCTCTCCGGGGTACGGATCCCCTGCCG[C>A]CGGGGCAGCCTCAGCGGATACCGCTGCCAGGGCAGCCCCTGCAGCCCCAGCCGATCCTGA-3'
Protein context (NP_536350.2, residues 373-393): VPSPGYGSPA[Ala383Asp]GAASADTAAR

ClinVar aggregate classification (germline): Uncertain significance (0 of 4 stars; one submission).

Conditions:
GNAS-related disorder. Identifiers: MedGen CN380105.

Submission:

PreventionGenetics, part of Exact Sciences
Classification: Uncertain significance for GNAS-related condition. Last evaluated: 2024-08-09. Review status: no assertion criteria provided. Collection method: clinical testing. Allele origin: germline.
Comment: The GNAS c.1148C>A variant is predicted to result in the amino acid substitution p.Ala383Asp. Of note, this variant is also referred to as c.-37314C>A (pre-coding) with the more commonly reported isoform, NM_000516. To our knowledge, this variant has not been reported in the literature. This variant is reported in 0.0014% of alleles in individuals of European (non-Finnish) descent in gnomAD. At this time, the clinical significance of this variant is uncertain due to the absence of conclusive functional and genetic evidence.